The following is an entry in ClinVar:

ClinVar aggregate classification (germline): Uncertain significance. Review status: criteria provided, multiple submitters, no conflicts (2 of 4 stars). 2 submissions from 2 submitters: Uncertain significance (2). Last evaluated 2026-10-08.

Conditions:
Neurodegeneration with brain iron accumulation 6 (NBIA6). Also called: COASY protein-associated neurodegeneration. Identifiers: Orphanet 397725, MedGen C4517377, MONDO:0014290, OMIM 615643.

Submissions (2):

GeneDx
Classification: Uncertain significance. Last evaluated: 2026-10-08. Review status: criteria provided, single submitter. Criteria: GeneDx Variant Classification Process June 2021. Collection method: clinical testing. Allele origin: germline.
Comment: Not observed at significant frequency in large population cohorts (gnomAD); In-frame deletion of 1 amino acid(s) in a non-repeat region; In silico analysis suggests that this variant does not alter protein structure/function; Has not been previously published as pathogenic or benign to our knowledge

Labcorp Genetics (formerly Invitae), Labcorp
Classification: Uncertain significance for Neurodegeneration with brain iron accumulation 6. Last evaluated: 2022-07-05. Review status: criteria provided, single submitter. Criteria: Invitae Variant Classification Sherloc (09022015). Collection method: clinical testing. Allele origin: germline.
Comment: This variant, c.476_478del, results in the deletion of 1 amino acid(s) of the COASY protein (p.Gly159del), but otherwise preserves the integrity of the reading frame. This variant is present in population databases (rs771179370, gnomAD 0.01%). This variant has not been reported in the literature in individuals affected with COASY-related conditions. ClinVar contains an entry for this variant (Variation ID: 1195069). Experimental studies and prediction algorithms are not available or were not evaluated, and the functional significance of this variant is currently unknown. In summary, the available evidence is currently insufficient to determine the role of this variant in disease. Therefore, it has been classified as a Variant of Uncertain Significance.

NM_025233.7(COASY):c.476_478del (p.Gly159del)

Gene: COASY (Coenzyme A synthase; plus strand). Cytogenetic location: 17q21.2.
Variant type: Deletion.
Coding change: c.476_478del on transcript NM_025233.7 (MANE Select); coding-DNA positions 476 to 478, 3 bases deleted (GAG; older notation c.476_478delGAG).
Protein change: p.Gly159del; deletes glycine 159.
Molecular consequence: inframe deletion.
Genome position (GRCh38, 1-based): chr17:42,563,098-42,563,100, GAG deleted; deleting any 3 consecutive bases within chr17:42,563,096-42,563,100 gives the same sequence; the c. name uses the placement nearest the transcript's 3' end. VCF-style (leftmost placement, unchanged base first): chr17-42563095-TAGG-T. GRCh37 (hg19) VCF-style: chr17-40715113-TAGG-T.
Other names: c.476_478del, p.Gly159del (NM_001042529.3); c.563_565del, p.Gly188del (NM_001042532.4); c.476_478delGAG (NM_025233.6); c.476_478del (NM_025233.6); short protein forms G159del, G188del.
Identifiers: ClinVar variation 1195069 (VCV001195069.9), dbSNP rs771179370, ClinGen allele CA8577985.